The following is an entry in ClinVar:

NM_001291303.3(FAT4):c.3708T>A (p.Asp1236Glu)

Gene: FAT4 (FAT atypical cadherin 4; plus strand). Cytogenetic location: 4q28.1.
Variant type: single nucleotide variant.
Coding change: c.3708T>A on transcript NM_001291303.3 (MANE Select); coding-DNA position 3708, T replaced by A.
Protein change: p.Asp1236Glu; replaces aspartic acid 1236 with glutamic acid.
Molecular consequence: missense variant.
Genome position (GRCh38, 1-based): chr4:125,320,119, T>A. VCF-style: chr4-125320119-T-A. GRCh37 (hg19) VCF-style: chr4-126241274-T-A.
Other names: c.3708T>A, p.Asp1236Glu (NM_001291285.3, NM_024582.6); short protein forms D1236E.
Identifiers: ClinVar variation 1354092 (VCV001354092.8), dbSNP rs1223564463, ClinGen allele CA358124568.

ClinVar aggregate classification (germline): Uncertain significance (1 of 4 stars; one submission).

gnomAD v4.1: 1 of 1,614,056 alleles (0.000062%); highest among the groups gnomAD compares: Non-Finnish European, 0.000085%; no homozygotes.

Submission:

Labcorp Genetics (formerly Invitae), Labcorp
Classification: Uncertain significance. Last evaluated: 2021-12-02. Review status: criteria provided, single submitter. Criteria: Invitae Variant Classification Sherloc (09022015). Collection method: clinical testing. Allele origin: germline.
Comment: This variant is not present in population databases (gnomAD no frequency). This sequence change replaces aspartic acid, which is acidic and polar, with glutamic acid, which is acidic and polar, at codon 1236 of the FAT4 protein (p.Asp1236Glu). This variant has not been reported in the literature in individuals affected with FAT4-related conditions. Advanced modeling of protein sequence and biophysical properties (such as structural, functional, and spatial information, amino acid conservation, physicochemical variation, residue mobility, and thermodynamic stability) performed at Invitae indicates that this missense variant is expected to disrupt FAT4 protein function. In summary, the available evidence is currently insufficient to determine the role of this variant in disease. Therefore, it has been classified as a Variant of Uncertain Significance.